The following is an entry in ClinVar:

NM_007186.6(CEP250):c.5926G>T (p.Ala1976Ser)

Gene: CEP250 (centrosomal protein 250; plus strand). Cytogenetic location: 20q11.22.
Variant type: single nucleotide variant.
Coding change: c.5926G>T on transcript NM_007186.6 (MANE Select); coding-DNA position 5926, G replaced by T.
Protein change: p.Ala1976Ser; replaces alanine 1976 with serine.
Molecular consequence: missense variant.
Genome position (GRCh38, 1-based): chr20:35,504,295, G>T. VCF-style: chr20-35504295-G-T. GRCh37 (hg19) VCF-style: chr20-34092123-G-T.
Other names: c.4030G>T, p.Ala1344Ser (NM_001318219.1); c.5926G>T (NM_007186.3); short protein forms A1344S, A1976S.
Identifiers: ClinVar variation 1390837 (VCV001390837.9), dbSNP rs367908520, ClinGen allele CA9833966.

ClinVar aggregate classification (germline): Uncertain significance. Review status: criteria provided, multiple submitters, no conflicts (2 of 4 stars). 2 submissions from 2 submitters: Uncertain significance (2). Last evaluated 2025-08-24.

Allele frequency attached by ClinVar (database versions not stated): gnomAD exomes 0.00005; ESP Exome Variant Server 0.00008; ExAC 0.00012; TOPMed 0.00014; gnomAD 0.00017; 1000 Genomes Project 0.00020; 1000 Genomes Project 30x 0.00031.
gnomAD v4.1: 36 of 1,587,210 alleles (0.0023%); highest among the groups gnomAD compares: African/African-American, 0.039%; no homozygotes.

Submissions (2):

Ambry Genetics
Classification: Uncertain significance. Last evaluated: 2025-08-24. Review status: criteria provided, single submitter. Criteria: Ambry Variant Classification Scheme 2023. Collection method: clinical testing. Allele origin: germline.

Labcorp Genetics (formerly Invitae), Labcorp
Classification: Uncertain significance. Last evaluated: 2023-12-21. Review status: criteria provided, single submitter. Criteria: Invitae Variant Classification Sherloc (09022015). Collection method: clinical testing. Allele origin: germline.
Comment: This sequence change replaces alanine, which is neutral and non-polar, with serine, which is neutral and polar, at codon 1976 of the CEP250 protein (p.Ala1976Ser). This variant is present in population databases (rs367908520, gnomAD 0.06%). This variant has not been reported in the literature in individuals affected with CEP250-related conditions. ClinVar contains an entry for this variant (Variation ID: 1390837). Algorithms developed to predict the effect of missense changes on protein structure and function output the following: SIFT: "Not Available"; PolyPhen-2: "Benign"; Align-GVGD: "Not Available". The serine amino acid residue is found in multiple mammalian species, which suggests that this missense change does not adversely affect protein function. In summary, the available evidence is currently insufficient to determine the role of this variant in disease. Therefore, it has been classified as a Variant of Uncertain Significance.